The following is an entry in ClinVar:

NM_000525.4(KCNJ11):c.526C>G (p.Arg176Gly)

Gene: KCNJ11 (potassium inwardly rectifying channel subfamily J member 11; minus strand). Cytogenetic location: 11p15.1.
Variant type: single nucleotide variant.
Coding change: c.526C>G on transcript NM_000525.4 (MANE Select); coding-DNA position 526, C replaced by G.
Protein change: p.Arg176Gly; replaces arginine 176 with glycine.
Molecular consequence: missense variant.
Genome position (GRCh38, 1-based): chr11:17,387,566, G>C on the plus strand (C>G on the coding strand, the complement: KCNJ11 is on the minus strand). VCF-style: chr11-17387566-G-C. GRCh37 (hg19) VCF-style: chr11-17409113-G-C.
Other names: c.265C>G, p.Arg89Gly (NM_001166290.2, NM_001377296.1, NM_001377297.1); short protein forms R176G, R89G.
Identifiers: ClinVar variation 2571843 (VCV002571843.1), dbSNP rs201264306, ClinGen allele CA379773015.
Genomic context (GRCh38, chr11:17,387,566, plus strand): 5'-GGCGGCCGTGGCGCAGGGCGATCACCGCATGCTTGCTGAAGATGAGGGTCTCAGCCCTGC[G>C]GTGGGCTTGGGCAGTCTTCATGAAGATGCAGCCAAGCATGATGGCGTTGATCATGAGCCC-3'
Protein context (NP_000516.3, residues 166-186): CIFMKTAQAH[Arg176Gly]RAETLIFSKH

ClinVar aggregate classification (germline): Uncertain significance (1 of 4 stars; one submission).

Submission:

GeneDx
Classification: Uncertain significance. Last evaluated: 2023-01-04. Review status: criteria provided, single submitter. Criteria: GeneDx Variant Classification Process June 2021. Collection method: clinical testing. Allele origin: germline. Affected: yes.
Comment: Not observed at significant frequency in large population cohorts (gnomAD); In silico analysis supports that this missense variant has a deleterious effect on protein structure/function; Has not been previously published as pathogenic or benign to our knowledge